The following is an entry in ClinVar:

ClinVar aggregate classification (germline): Uncertain significance (1 of 4 stars; one submission).

Conditions:
Hereditary cancer-predisposing syndrome. Also called: Tumor predisposition; Hereditary Cancer Syndrome; Neoplastic Syndromes, Hereditary; Hereditary neoplastic syndrome. Identifiers: Orphanet 140162, MedGen C0027672, MeSH D009386, MONDO:0015356.

Submission:

Color Diagnostics, LLC DBA Color Health
Classification: Uncertain significance for Hereditary cancer-predisposing syndrome. Last evaluated: 2021-06-14. Review status: criteria provided, single submitter. Criteria: ACMG Guidelines, 2015. Collection method: clinical testing. Allele origin: germline.
Comment: This variant causes a T to A nucleotide substitution at the -8 position of intron 15 of the BAP1 gene. To our knowledge, functional studies have not been reported for this variant. This variant has not been reported in individuals affected with hereditary cancer in the literature. This variant has not been identified in the general population by the Genome Aggregation Database (gnomAD). The available evidence is insufficient to determine the role of this variant in disease conclusively. Therefore, this variant is classified as a Variant of Uncertain Significance.

NM_004656.4(BAP1):c.1984-8T>A

Gene: BAP1 (BRCA1 associated deubiquitinase 1; minus strand). Cytogenetic location: 3p21.1.
Variant type: single nucleotide variant.
Coding change: c.1984-8T>A on transcript NM_004656.4 (MANE Select); 8 bases into the intron before coding-DNA position 1984, T replaced by A.
Molecular consequence: intron variant.
Genome position (GRCh38, 1-based): chr3:52,402,682, A>T on the plus strand (T>A on the coding strand, the complement: BAP1 is on the minus strand). VCF-style: chr3-52402682-A-T. GRCh37 (hg19) VCF-style: chr3-52436698-A-T.
Identifiers: ClinVar variation 1331766 (VCV001331766.2), dbSNP rs2153226230, ClinGen allele CA2573052218.